The following is an entry in ClinVar:

ClinVar aggregate classification (germline): Uncertain significance (1 of 4 stars; one submission).

Conditions:
Rhabdoid tumor predisposition syndrome 2 (RTPS2). Identifiers: Orphanet 231108, Orphanet 69077, MedGen C2750074, MONDO:0013224, OMIM 613325.

Submission:

Labcorp Genetics (formerly Invitae), Labcorp
Classification: Uncertain significance for Rhabdoid tumor predisposition syndrome 2. Last evaluated: 2019-05-14. Review status: criteria provided, single submitter. Criteria: Invitae Variant Classification Sherloc (09022015). Collection method: clinical testing. Allele origin: germline.
Comment: This sequence change replaces alanine with serine at codon 551 of the SMARCA4 protein (p.Ala551Ser). The alanine residue is highly conserved and there is a moderate physicochemical difference between alanine and serine. This variant is not present in population databases (ExAC no frequency). This variant has not been reported in the literature in individuals with SMARCA4-related conditions. Algorithms developed to predict the effect of missense changes on protein structure and function are either unavailable or do not agree on the potential impact of this missense change (SIFT: "Deleterious"; PolyPhen-2: "Possibly Damaging"; Align-GVGD: "Class C0"). In summary, the available evidence is currently insufficient to determine the role of this variant in disease. Therefore, it has been classified as a Variant of Uncertain Significance.

NM_003072.5(SMARCA4):c.1651G>T (p.Ala551Ser)

Gene: SMARCA4 (SWI/SNF related BAF chromatin remodeling complex subunit ATPase 4; plus strand). Cytogenetic location: 19p13.2.
Variant type: single nucleotide variant.
Coding change: c.1651G>T on transcript NM_003072.5 (MANE Select); coding-DNA position 1651, G replaced by T.
Protein change: p.Ala551Ser; replaces alanine 551 with serine.
Molecular consequence: missense variant. On other transcripts: non-coding transcript variant (1).
Genome position (GRCh38, 1-based): chr19:10,996,270, G>T. VCF-style: chr19-10996270-G-T. GRCh37 (hg19) VCF-style: chr19-11106946-G-T.
Other names: c.1651G>T, p.Ala551Ser (NM_001128844.3, NM_001128845.2, NM_001128846.2 and 4 more transcripts); short protein forms A551S.
Identifiers: ClinVar variation 948765 (VCV000948765.9), dbSNP rs2087031286, ClinGen allele CA404064341.
Genomic context (GRCh38, chr19:10,996,270, plus strand): 5'-TAGGCTGAAGATGAGGAGGGGTACCGCAAGCTCATCGACCAGAAGAAGGACAAGCGCCTG[G>T]CCTACCTCTTGCAGCAGACAGACGAGTACGTGGCTAACCTCACGGAGCTGGTGCGGCAGC-3'
Protein context (NP_003063.2, residues 541-561): LIDQKKDKRL[Ala551Ser]YLLQQTDEYV